The following is an entry in ClinVar:

ClinVar aggregate classification (germline): Uncertain significance (1 of 4 stars; one submission).

Conditions:
Hereditary cancer-predisposing syndrome. Also called: Neoplastic Syndromes, Hereditary; Tumor predisposition; Hereditary Cancer Syndrome; Hereditary neoplastic syndrome. Identifiers: Orphanet 140162, MedGen C0027672, MeSH D009386, MONDO:0015356.

Submission:

Ambry Genetics
Classification: Uncertain significance for Hereditary cancer-predisposing syndrome. Last evaluated: 2025-12-08. Review status: criteria provided, single submitter. Criteria: Ambry Variant Classification Scheme 2023. Collection method: clinical testing. Allele origin: germline.
Comment: The c.352_374del23 variant, located in coding exon 5 of the POLE gene, results from a deletion of 23 nucleotides at nucleotide positions 352 to 374, causing a translational frameshift with a predicted alternate stop codon (p.S118Gfs*78). This alteration is expected to result in loss of function by premature protein truncation or nonsense-mediated mRNA decay. Although biallelic loss of function of POLE has been associated with autosomal recessive POLE deficiency, haploinsufficiency of POLE has not been established as a mechanism of disease for POLE-related polymerase proofreading-associated polyposis (PPAP) and POLE-related CMMRD-like syndrome. Based on the supporting evidence, this variant is expected to be causative of POLE deficiency when present along with a second pathogenic variant on the other allele; however, its clinical significance for PPAP and POLE-related CMMRD-like syndrome is unclear.

NM_006231.4(POLE):c.352_374del (p.Ser118fs)

Gene: POLE (DNA polymerase epsilon, catalytic subunit; minus strand). Cytogenetic location: 12q24.33.
Variant type: Deletion.
Coding change: c.352_374del on transcript NM_006231.4 (MANE Select); coding-DNA positions 352 to 374, 23 bases deleted (TCTTTTCTCTCCAAGAAGTTTCA).
Protein change: p.Ser118fs; shifts the reading frame from serine 118.
Molecular consequence: frameshift variant.
Genome position (GRCh38, 1-based): chr12:132,680,003-132,680,025, TGAAACTTCTTGGAGAGAAAAGA deleted on the plus strand (TCTTTTCTCTCCAAGAAGTTTCA on the coding strand, the reverse complement: POLE is on the minus strand); deleting any 23 consecutive bases within chr12:132,680,003-132,680,035 gives the same sequence; the c. name uses the placement nearest the transcript's 3' end. VCF-style (leftmost placement, unchanged base first): chr12-132680002-CTGAAACTTCTTGGAGAGAAAAGA-C. GRCh37 (hg19) VCF-style: chr12-133256588-CTGAAACTTCTTGGAGAGAAAAGA-C.
Other names: short protein forms S118fs.
Identifiers: ClinVar variation 4672538 (VCV004672538.1).
Genomic context (GRCh38, chr12:132,680,002, plus strand): 5'-GGTGATACTCACCAAGTCCAGATCCTCTTTGGGGACAGTCTCCACTTTTGCAATTTTGCC[CTGAAACTTCTTGGAGAGAAAAGA>C]TGAAACTTCTCGCTCACAACCCTAATCAGGATCAGAATGAAAAGGCTTTCCATTGGTAAA-3'